The following is an entry in ClinVar:

ClinVar aggregate classification (germline): Uncertain significance (1 of 4 stars; one submission).

Conditions:
Aortic aneurysm, familial thoracic 4 (AAT4). Also called: AORTIC ANEURYSM/AORTIC DISSECTION AND PATENT DUCTUS ARTERIOSUS. Identifiers: MedGen C1851504, MONDO:0007568, OMIM 132900.

Submission:

Labcorp Genetics (formerly Invitae), Labcorp
Classification: Uncertain significance for Aortic aneurysm, familial thoracic 4. Last evaluated: 2023-11-19. Review status: criteria provided, single submitter. Criteria: Invitae Variant Classification Sherloc (09022015). Collection method: clinical testing. Allele origin: germline.
Comment: This sequence change replaces isoleucine, which is neutral and non-polar, with methionine, which is neutral and non-polar, at codon 290 of the MYH11 protein (p.Ile290Met). This variant is not present in population databases (gnomAD no frequency). This variant has not been reported in the literature in individuals affected with MYH11-related conditions. Advanced modeling of protein sequence and biophysical properties (such as structural, functional, and spatial information, amino acid conservation, physicochemical variation, residue mobility, and thermodynamic stability) performed at Invitae indicates that this missense variant is not expected to disrupt MYH11 protein function with a negative predictive value of 95%. In summary, the available evidence is currently insufficient to determine the role of this variant in disease. Therefore, it has been classified as a Variant of Uncertain Significance.

NM_002474.3(MYH11):c.849C>G (p.Ile283Met)

Gene: MYH11 (myosin heavy chain 11; minus strand). Cytogenetic location: 16p13.11.
Variant type: single nucleotide variant.
Coding change: c.849C>G on transcript NM_002474.3 (MANE Select); coding-DNA position 849, C replaced by G.
Protein change: p.Ile283Met; replaces isoleucine 283 with methionine.
Molecular consequence: missense variant.
Genome position (GRCh38, 1-based): chr16:15,776,118, G>C on the plus strand (C>G on the coding strand, the complement: MYH11 is on the minus strand). VCF-style: chr16-15776118-G-C. GRCh37 (hg19) VCF-style: chr16-15869975-G-C.
Other names: c.870C>G, p.Ile290Met (NM_001040113.2, NM_001040114.2); c.849C>G, p.Ile283Met (NM_022844.3); short protein forms I283M, I290M.
Identifiers: ClinVar variation 2885507 (VCV002885507.3), dbSNP rs756799858, ClinGen allele CA394869510.